The following is an entry in ClinVar:

ClinVar aggregate classification (germline): Likely benign. Review status: reviewed by expert panel (3 of 4 stars). 3 submissions from 3 submitters: Likely benign (1). 2 of the submissions do not count toward it. Last evaluated 2021-05-26.

Conditions:
Hereditary thrombocytopenia and hematologic cancer predisposition syndrome. Identifiers: Orphanet 71290, MedGen CN281654, MONDO:0011071.
Hereditary thrombocytopenia and hematological cancer predisposition syndrome associated with RUNX1. Also called: PLATELET DISORDER, ASPIRIN-LIKE; RUNX1 Familial Platelet Disorder with Associated Myeloid Malignancies; Familial Platelet Disorder with Propensity to Acute Myelogenous Leukemia; Familial thrombocytopenia with propensity to acute myelogenous leukemia. Identifiers: Orphanet 71290, MedGen C1832388, MeSH C563324, MONDO:0100083, OMIM 601399.

Allele frequency attached by ClinVar (database versions not stated): gnomAD 0.00010; TOPMed 0.00020; gnomAD exomes 0.00038.
gnomAD v4.1: 64 of 233,346 alleles (0.027%); highest among the groups gnomAD compares: Non-Finnish European, 0.042%; no homozygotes.

Submissions (3):

ClinGen Myeloid Malignancy Variant Curation Expert Panel
Classification: Likely benign for Hereditary thrombocytopenia and hematologic cancer predisposition syndrome. Last evaluated: 2021-05-26. Review status: reviewed by expert panel. Criteria: ClinGen MyeloMalig ACMG Specifications v2. Collection method: curation. Allele origin: germline. Inheritance: Autosomal dominant inheritance.
Comment: This 3' UTR c.*4188G>C variant is located at a non-conserved nucleotide per an evolutionary conservation prediction algorithm (PhyloP = -0.665764 in GRCh38). The variant is present in gnomAD at an allele frequency between 0.015% and 0.15% in a general continental population (European, non-Finnish, subpopulation: 0.03528% in v3) with >5 variant alleles and a minimum of 2000 total alleles (BS1) and has not been described in the literature. In summary, this variant meets criteria to be classified as likely benign. ACMG/AMP criteria applied, as specified by the ClinGen Myeloid Malignancy Variant Curation Expert Panel for RUNX1: BS1.

Mendelics
Classification: Likely benign for Hereditary thrombocytopenia and hematological cancer predisposition syndrome associated with RUNX1. Last evaluated: 2019-05-28. Review status: criteria provided, single submitter. Criteria: Mendelics Assertion Criteria 2017. Collection method: clinical testing. Allele origin: unknown. Not counted in ClinVar's aggregate classification.

Illumina Laboratory Services, Illumina
Classification: Uncertain significance for Hereditary thrombocytopenia and hematological cancer predisposition syndrome associated with RUNX1. Last evaluated: 2018-01-13. Review status: criteria provided, single submitter. Criteria: ICSL Variant Classification Criteria 13 December 2019. Collection method: clinical testing. Allele origin: germline. Not counted in ClinVar's aggregate classification.

NM_001754.5(RUNX1):c.*4188G>C

Gene: RUNX1 (RUNX family transcription factor 1; minus strand). Cytogenetic location: 21q22.12.
Variant type: single nucleotide variant.
Coding change: c.*4188G>C on transcript NM_001754.5 (MANE Select); 4188 bases downstream of the stop codon, G replaced by C.
Molecular consequence: 3 prime UTR variant.
Genome position (GRCh38, 1-based): chr21:34,787,947, C>G on the plus strand (G>C on the coding strand, the complement: RUNX1 is on the minus strand). VCF-style: chr21-34787947-C-G. GRCh37 (hg19) VCF-style: chr21-36160244-C-G.
Other names: NM_001754.4(RUNX1):c.*4188G>C; c.*4188G>C (NM_001001890.3).
Identifiers: ClinVar variation 339794 (VCV000339794.8), dbSNP rs761390141, ClinGen allele CA10644605.
Genomic context (GRCh38, chr21:34,787,947, plus strand): 5'-GAGGAAGGCTCTGGTGGCTCCTGAACAGCAGCAGTCCAGCTGCCCTGCTCAGGCTGGGCA[C>G]GACGAATGCTCCCAGGAGAGGGGAGGCGGCCCACCCGACTGTGTACCGTGGACTGTGGAC-3'